The following is an entry in ClinVar:

ClinVar aggregate classification (germline): Uncertain significance (1 of 4 stars; one submission).

Conditions:
Congenital contractural arachnodactyly (CCA). Also called: BEALS SYNDROME; Beals-Hecht syndrome; Arthrogryposis, distal, type 9. Identifiers: Orphanet 115, MedGen C0220668, MONDO:0007363, OMIM 121050.

Allele frequency attached by ClinVar (database versions not stated): gnomAD exomes below 0.00001.
gnomAD v4.1: 1 of 1,614,030 alleles (0.000062%); highest among the groups gnomAD compares: East Asian, 0.0022%; no homozygotes.

Submission:

Labcorp Genetics (formerly Invitae), Labcorp
Classification: Uncertain significance for Congenital contractural arachnodactyly. Last evaluated: 2024-02-23. Review status: criteria provided, single submitter. Criteria: Invitae Variant Classification Sherloc (09022015). Collection method: clinical testing. Allele origin: germline.
Comment: This sequence change replaces glycine, which is neutral and non-polar, with glutamic acid, which is acidic and polar, at codon 107 of the FBN2 protein (p.Gly107Glu). This variant is not present in population databases (gnomAD no frequency). This variant has not been reported in the literature in individuals affected with FBN2-related conditions. Advanced modeling of protein sequence and biophysical properties (such as structural, functional, and spatial information, amino acid conservation, physicochemical variation, residue mobility, and thermodynamic stability) performed at Invitae indicates that this missense variant is expected to disrupt FBN2 protein function with a positive predictive value of 80%. In summary, the available evidence is currently insufficient to determine the role of this variant in disease. Therefore, it has been classified as a Variant of Uncertain Significance.

NM_001999.4(FBN2):c.320G>A (p.Gly107Glu)

Gene: FBN2 (fibrillin 2; minus strand). Cytogenetic location: 5q23.3.
Variant type: single nucleotide variant.
Coding change: c.320G>A on transcript NM_001999.4 (MANE Select); coding-DNA position 320, G replaced by A.
Protein change: p.Gly107Glu; replaces glycine 107 with glutamic acid.
Molecular consequence: missense variant.
Genome position (GRCh38, 1-based): chr5:128,536,419, C>T on the plus strand (G>A on the coding strand, the complement: FBN2 is on the minus strand). VCF-style: chr5-128536419-C-T. GRCh37 (hg19) VCF-style: chr5-127872112-C-T.
Other names: short protein forms G107E.
Identifiers: ClinVar variation 2704110 (VCV002704110.3), dbSNP rs2112809151, ClinGen allele CA360761239.